The following is an entry in ClinVar:

NM_006073.4(TRDN):c.1967G>A (p.Arg656Lys)

Gene: TRDN (triadin; minus strand). Cytogenetic location: 6q22.31.
Variant type: single nucleotide variant.
Coding change: c.1967G>A on transcript NM_006073.4 (MANE Select); coding-DNA position 1967, G replaced by A.
Protein change: p.Arg656Lys; replaces arginine 656 with lysine.
Molecular consequence: missense variant.
Genome position (GRCh38, 1-based): chr6:123,252,420, C>T on the plus strand (G>A on the coding strand, the complement: TRDN is on the minus strand). VCF-style: chr6-123252420-C-T. GRCh37 (hg19) VCF-style: chr6-123573565-C-T.
Other names: short protein forms R656K.
Identifiers: ClinVar variation 1009723 (VCV001009723.14), dbSNP rs1028703114, ClinGen allele CA147226211.

ClinVar aggregate classification (germline): Conflicting classifications of pathogenicity. Review status: criteria provided, conflicting classifications (1 of 4 stars). 2 submissions from 2 submitters: Uncertain significance (1); Likely benign (1). Last evaluated 2025-09-24.

Conditions:
Cardiovascular phenotype. Identifiers: MedGen CN230736.
Catecholaminergic polymorphic ventricular tachycardia 1. Also called: VENTRICULAR TACHYCARDIA, STRESS-INDUCED POLYMORPHIC 1; VENTRICULAR TACHYCARDIA, CATECHOLAMINERGIC POLYMORPHIC, 1, WITH OR WITHOUT ATRIAL DYSFUNCTION AND/OR DILATED CARDIOMYOPATHY; RYR2-Related Catecholaminergic Polymorphic Ventricular Tachycardia. Identifiers: Orphanet 3286, MedGen C1631597, MONDO:0011484, OMIM 604772.

Allele frequency attached by ClinVar (database versions not stated): gnomAD exomes below 0.00001; gnomAD 0.00003 and 0.00004; TOPMed 0.00009.

Submissions (2):

Ambry Genetics
Classification: Likely benign for Cardiovascular phenotype. Last evaluated: 2025-09-24. Review status: criteria provided, single submitter. Criteria: Ambry Variant Classification Scheme 2023. Collection method: clinical testing. Allele origin: germline.

Labcorp Genetics (formerly Invitae), Labcorp
Classification: Uncertain significance for Catecholaminergic polymorphic ventricular tachycardia 1. Last evaluated: 2020-12-15. Review status: criteria provided, single submitter. Criteria: Invitae Variant Classification Sherloc (09022015). Collection method: clinical testing. Allele origin: germline.
Comment: This sequence change replaces arginine with lysine at codon 656 of the TRDN protein (p.Arg656Lys). The arginine residue is weakly conserved and there is a small physicochemical difference between arginine and lysine. In summary, the available evidence is currently insufficient to determine the role of this variant in disease. Therefore, it has been classified as a Variant of Uncertain Significance. Algorithms developed to predict the effect of missense changes on protein structure and function output the following: SIFT: "Tolerated"; PolyPhen-2: "Benign"; Align-GVGD: "Class C0". The lysine amino acid residue is found in multiple mammalian species, suggesting that this missense change does not adversely affect protein function. These predictions have not been confirmed by published functional studies and their clinical significance is uncertain. This variant has not been reported in the literature in individuals with TRDN-related conditions. This variant is not present in population databases (ExAC no frequency).